The following is an entry in ClinVar:

ClinVar aggregate classification (germline): Uncertain significance (1 of 4 stars; one submission).

Conditions:
Familial adenomatous polyposis 1 (FAP1). Also called: FAMILIAL ADENOMATOUS POLYPOSIS 1, ATTENUATED; POLYPOSIS, ADENOMATOUS INTESTINAL. Identifiers: MedGen C2713442, MONDO:0021056, OMIM 175100. Disease mechanism: loss of function.

Allele frequency attached by ClinVar (database versions not stated): gnomAD 0.00001.
gnomAD v4.1: 1 of 1,613,430 alleles (0.000062%); highest among the groups gnomAD compares: African/African-American, 0.0013%; no homozygotes.

Submission:

Labcorp Genetics (formerly Invitae), Labcorp
Classification: Uncertain significance for Familial adenomatous polyposis 1. Last evaluated: 2023-05-16. Review status: criteria provided, single submitter. Criteria: Invitae Variant Classification Sherloc (09022015). Collection method: clinical testing. Allele origin: germline.
Comment: This variant has not been reported in the literature in individuals affected with APC-related conditions. In summary, the available evidence is currently insufficient to determine the role of this variant in disease. Therefore, it has been classified as a Variant of Uncertain Significance. Advanced modeling of protein sequence and biophysical properties (such as structural, functional, and spatial information, amino acid conservation, physicochemical variation, residue mobility, and thermodynamic stability) performed at Invitae indicates that this missense variant is not expected to disrupt APC protein function. This variant is not present in population databases (gnomAD no frequency). This sequence change replaces asparagine, which is neutral and polar, with serine, which is neutral and polar, at codon 2406 of the APC protein (p.Asn2406Ser).

NM_000038.6(APC):c.7217A>G (p.Asn2406Ser)

Gene: APC (APC regulator of Wnt signaling pathway; plus strand). Cytogenetic location: 5q22.2.
Variant type: single nucleotide variant.
Coding change: c.7217A>G on transcript NM_000038.6 (MANE Select); coding-DNA position 7217, A replaced by G.
Protein change: p.Asn2406Ser; replaces asparagine 2406 with serine.
Molecular consequence: missense variant. On other transcripts: non-coding transcript variant (2).
Genome position (GRCh38, 1-based): chr5:112,842,811, A>G. VCF-style: chr5-112842811-A-G. GRCh37 (hg19) VCF-style: chr5-112178508-A-G.
Other names: c.7217A>G, p.Asn2406Ser (NM_001127510.3, NM_001354895.2, NM_001407450.1); c.7163A>G, p.Asn2388Ser (NM_001127511.3); c.7271A>G, p.Asn2424Ser (NM_001354896.2, NM_001407447.1, NM_001407448.1 and 1 more transcripts); c.7247A>G, p.Asn2416Ser (NM_001354897.2); c.7142A>G, p.Asn2381Ser (NM_001354898.2); c.7133A>G, p.Asn2378Ser (NM_001354899.2); c.7094A>G, p.Asn2365Ser (NM_001354900.2); c.7040A>G, p.Asn2347Ser (NM_001354901.2, NM_001407453.1); and 11 more; short protein forms N2246S, N2280S, N2381S, N2424S, N2434S, N2123S, N2305S, N2388S.
Identifiers: ClinVar variation 2918152 (VCV002918152.3), dbSNP rs1766416622, ClinGen allele CA16037050.